The following is an entry in ClinVar:

NM_001378778.1(MPDZ):c.2082G>T (p.Trp694Cys)

Gene: MPDZ (multiple PDZ domain crumbs cell polarity complex component; minus strand). Cytogenetic location: 9p23.
Variant type: single nucleotide variant.
Coding change: c.2082G>T on transcript NM_001378778.1 (MANE Select); coding-DNA position 2082, G replaced by T.
Protein change: p.Trp694Cys; replaces tryptophan 694 with cysteine.
Molecular consequence: missense variant.
Genome position (GRCh38, 1-based): chr9:13,190,186, C>A on the plus strand (G>T on the coding strand, the complement: MPDZ is on the minus strand). VCF-style: chr9-13190186-C-A. GRCh37 (hg19) VCF-style: chr9-13190185-C-A.
Other names: c.2082G>T, p.Trp694Cys (NM_001261406.2, NM_001261407.2, NM_001330637.2 and 14 more transcripts); c.2082G>T (NM_003829.3); short protein forms W694C.
Identifiers: ClinVar variation 1423284 (VCV001423284.7), dbSNP rs770176408, ClinGen allele CA4987569.

ClinVar aggregate classification (germline): Uncertain significance. Review status: criteria provided, multiple submitters, no conflicts (2 of 4 stars). 2 submissions from 2 submitters: Uncertain significance (2). Last evaluated 2025-03-25.

Conditions:
Inborn genetic diseases. Identifiers: MedGen C0950123, MeSH D030342.

Allele frequency attached by ClinVar (database versions not stated): gnomAD 0.00001; gnomAD exomes 0.00002 and 0.00003; ExAC 0.00003; TOPMed 0.00003.
gnomAD v4.1: 22 of 1,613,146 alleles (0.0014%); highest among the groups gnomAD compares: East Asian, 0.047%; no homozygotes.

Submissions (2):

Ambry Genetics
Classification: Uncertain significance for Inborn genetic diseases. Last evaluated: 2025-03-25. Review status: criteria provided, single submitter. Criteria: Ambry Variant Classification Scheme 2023. Collection method: clinical testing. Allele origin: germline.

Labcorp Genetics (formerly Invitae), Labcorp
Classification: Uncertain significance. Last evaluated: 2024-01-24. Review status: criteria provided, single submitter. Criteria: Invitae Variant Classification Sherloc (09022015). Collection method: clinical testing. Allele origin: germline.
Comment: This sequence change replaces tryptophan, which is neutral and slightly polar, with cysteine, which is neutral and slightly polar, at codon 694 of the MPDZ protein (p.Trp694Cys). This variant is present in population databases (rs770176408, gnomAD 0.03%). This variant has not been reported in the literature in individuals affected with MPDZ-related conditions. ClinVar contains an entry for this variant (Variation ID: 1423284). An algorithm developed to predict the effect of missense changes on protein structure and function (PolyPhen-2) suggests that this variant is likely to be disruptive. In summary, the available evidence is currently insufficient to determine the role of this variant in disease. Therefore, it has been classified as a Variant of Uncertain Significance.